The following is an entry in ClinVar:

NM_001958.5(EEF1A2):c.524_525delinsAG (p.Ser175Lys)

Genes: EEF1A2 (eukaryotic translation elongation factor 1 alpha 2; minus strand), LOC132090595 (Neanderthal introgressed variant-containing enhancer experimental_60987; plus strand). Cytogenetic location: 20q13.33.
Variant type: Indel.
Coding change: c.524_525delinsAG on transcript NM_001958.5 (MANE Select); coding-DNA positions 524 to 525, GC replaced by AG.
Protein change: p.Ser175Lys; replaces serine 175 with lysine.
Molecular consequence: missense variant.
Genome position (GRCh38, 1-based): chr20:63,494,901-63,494,902, GC replaced by CT on the plus strand (GC replaced by AG on the coding strand, the reverse complement: EEF1A2 is on the minus strand). VCF-style: chr20-63494901-GC-CT. GRCh37 (hg19) VCF-style: chr20-62126254-GC-CT.
Other names: short protein forms S175K.
Identifiers: ClinVar variation 2001892 (VCV002001892.4), dbSNP rs2516783126, ClinGen allele CA2580098449.

ClinVar aggregate classification (germline): Uncertain significance (1 of 4 stars; one submission).

Conditions:
Developmental and epileptic encephalopathy, 33 (DEE33). Also called: Epileptic encephalopathy, early infantile, 33. Identifiers: Orphanet 442835, MedGen C4225337, MONDO:0014625, OMIM 616409.

Submission:

Labcorp Genetics (formerly Invitae), Labcorp
Classification: Uncertain significance for Developmental and epileptic encephalopathy, 33. Last evaluated: 2022-06-18. Review status: criteria provided, single submitter. Criteria: Invitae Variant Classification Sherloc (09022015). Collection method: clinical testing. Allele origin: germline.
Comment: In summary, the available evidence is currently insufficient to determine the role of this variant in disease. Therefore, it has been classified as a Variant of Uncertain Significance. Algorithms developed to predict the effect of missense changes on protein structure and function are either unavailable or do not agree on the potential impact of this missense change (SIFT: "Not Available"; PolyPhen-2: "Benign"; Align-GVGD: "Not Available"). This variant has not been reported in the literature in individuals affected with EEF1A2-related conditions. Information on the frequency of this variant in the gnomAD database is not available, as this variant may be reported differently in the database. This sequence change replaces serine, which is neutral and polar, with lysine, which is basic and polar, at codon 175 of the EEF1A2 protein (p.Ser175Lys).